The following is an entry in ClinVar:

ClinVar aggregate classification (germline): Uncertain significance (1 of 4 stars; one submission).

Conditions:
SMARCC2-related disorder. Also called: SMARCC2-related condition.

Submission:

PreventionGenetics, part of Exact Sciences
Classification: Uncertain significance for SMARCC2-related condition. Last evaluated: 2025-01-15. Review status: criteria provided, single submitter. Criteria: ACMG Guidelines, 2015. Collection method: clinical testing. Allele origin: germline.
Comment: The SMARCC2 c.1370A>G variant is predicted to result in the amino acid substitution p.Lys457Arg. To our knowledge, this variant has not been reported in the literature or in a large population database (gnomAD), indicating this variant is rare. At this time, the clinical significance of this variant is uncertain due to the absence of conclusive functional and genetic evidence.

NM_001330288.2(SMARCC2):c.1370A>G (p.Lys457Arg)

Gene: SMARCC2 (SWI/SNF related BAF chromatin remodeling complex subunit C2; minus strand). Cytogenetic location: 12q13.2.
Variant type: single nucleotide variant.
Coding change: c.1370A>G on transcript NM_001330288.2 (MANE Select); coding-DNA position 1370, A replaced by G.
Protein change: p.Lys457Arg; replaces lysine 457 with arginine.
Molecular consequence: missense variant.
Genome position (GRCh38, 1-based): chr12:56,178,034, T>C on the plus strand (A>G on the coding strand, the complement: SMARCC2 is on the minus strand). VCF-style: chr12-56178034-T-C. GRCh37 (hg19) VCF-style: chr12-56571818-T-C.
Other names: c.1370A>G, p.Lys457Arg (NM_001130420.3, NM_003075.5, NM_139067.4); short protein forms K457R.
Identifiers: ClinVar variation 4980482 (VCV004980482.1).